The following is an entry in ClinVar:

NM_177438.3(DICER1):c.1391C>G (p.Ala464Gly)

Gene: DICER1 (dicer 1, ribonuclease III; minus strand). Cytogenetic location: 14q32.13.
Variant type: single nucleotide variant.
Coding change: c.1391C>G on transcript NM_177438.3 (MANE Select); coding-DNA position 1391, C replaced by G.
Protein change: p.Ala464Gly; replaces alanine 464 with glycine.
Molecular consequence: missense variant.
Genome position (GRCh38, 1-based): chr14:95,117,740, G>C on the plus strand (C>G on the coding strand, the complement: DICER1 is on the minus strand). VCF-style: chr14-95117740-G-C. GRCh37 (hg19) VCF-style: chr14-95584077-G-C.
Other names: c.1391C>G, p.Ala464Gly (NM_001195573.1, NM_001271282.3, NM_001291628.2 and 1 more transcripts); short protein forms A464G.
Identifiers: ClinVar variation 479608 (VCV000479608.16), dbSNP rs761639108, ClinGen allele CA7331485.

ClinVar aggregate classification (germline): Uncertain significance. Review status: criteria provided, multiple submitters, no conflicts (2 of 4 stars). 2 submissions from 2 submitters: Uncertain significance (2). Last evaluated 2025-12-13.

Conditions:
DICER1-related tumor predisposition. Also called: DICER1-related pleuropulmonary blastoma cancer predisposition syndrome; DICER1 syndrome. Identifiers: Orphanet 284343, MedGen C3839822, MONDO:0100216.
Hereditary cancer-predisposing syndrome. Also called: Tumor predisposition; Neoplastic Syndromes, Hereditary; Hereditary Cancer Syndrome; Hereditary neoplastic syndrome. Identifiers: Orphanet 140162, MedGen C0027672, MeSH D009386, MONDO:0015356.

Allele frequency attached by ClinVar (database versions not stated): gnomAD exomes below 0.00001; TOPMed below 0.00001; ExAC 0.00001.
gnomAD v4.1: 2 of 1,613,816 alleles (0.00012%); highest among the groups gnomAD compares: Non-Finnish European, 0.00017%; no homozygotes.

Submissions (2):

Labcorp Genetics (formerly Invitae), Labcorp
Classification: Uncertain significance for DICER1-related tumor predisposition. Last evaluated: 2025-12-13. Review status: criteria provided, single submitter. Criteria: Invitae Variant Classification Sherloc (09022015). Collection method: clinical testing. Allele origin: germline.
Comment: This sequence change replaces alanine, which is neutral and non-polar, with glycine, which is neutral and non-polar, at codon 464 of the DICER1 protein (p.Ala464Gly). This variant is present in population databases (rs761639108, gnomAD 0.0009%). This variant has not been reported in the literature in individuals affected with DICER1-related conditions. ClinVar contains an entry for this variant (Variation ID: 479608). Invitae Evidence Modeling of protein sequence and biophysical properties (such as structural, functional, and spatial information, amino acid conservation, physicochemical variation, residue mobility, and thermodynamic stability) indicates that this missense variant is not expected to disrupt DICER1 protein function with a negative predictive value of 95%. In summary, the available evidence is currently insufficient to determine the role of this variant in disease. Therefore, it has been classified as a Variant of Uncertain Significance.

Ambry Genetics
Classification: Uncertain significance for Hereditary cancer-predisposing syndrome. Last evaluated: 2025-12-07. Review status: criteria provided, single submitter. Criteria: Ambry Variant Classification Scheme 2023. Collection method: clinical testing. Allele origin: germline.
Comment: The p.A464G variant (also known as c.1391C>G), located in coding exon 8 of the DICER1 gene, results from a C to G substitution at nucleotide position 1391. The alanine at codon 464 is replaced by glycine, an amino acid with similar properties. This amino acid position is highly conserved in available vertebrate species. In addition, the in silico prediction for this alteration is inconclusive. Since supporting evidence is limited at this time, the clinical significance of this alteration remains unclear.